The following is an entry in ClinVar:

NM_013372.7(GREM1):c.218T>C (p.Val73Ala)

Gene: GREM1 (gremlin 1, DAN family BMP antagonist; plus strand). Cytogenetic location: 15q13.3.
Variant type: single nucleotide variant.
Coding change: c.218T>C on transcript NM_013372.7 (MANE Select); coding-DNA position 218, T replaced by C.
Protein change: p.Val73Ala; replaces valine 73 with alanine.
Molecular consequence: missense variant. On other transcripts: intron variant (2).
Genome position (GRCh38, 1-based): chr15:32,730,908, T>C. VCF-style: chr15-32730908-T-C. GRCh37 (hg19) VCF-style: chr15-33023109-T-C.
Other names: c.218T>C, p.Val73Ala (NM_001368719.1); c.115-20T>C (NM_001191323.2); c.28-20T>C (NM_001191322.2); short protein forms V73A.
Identifiers: ClinVar variation 3226255 (VCV003226255.1), dbSNP rs2548707641, ClinGen allele CA391557436.

ClinVar aggregate classification (germline): Uncertain significance (1 of 4 stars; one submission).

Conditions:
Hereditary cancer-predisposing syndrome. Also called: Neoplastic Syndromes, Hereditary; Tumor predisposition; Hereditary neoplastic syndrome; Hereditary Cancer Syndrome. Identifiers: Orphanet 140162, MedGen C0027672, MeSH D009386, MONDO:0015356.

Submission:

Ambry Genetics
Classification: Uncertain significance for Hereditary cancer-predisposing syndrome. Last evaluated: 2024-03-06. Review status: criteria provided, single submitter. Criteria: Ambry Variant Classification Scheme 2023. Collection method: clinical testing. Allele origin: germline.
Comment: The p.V73A variant (also known as c.218T>C), located in coding exon 1 of the GREM1 gene, results from a T to C substitution at nucleotide position 218. The valine at codon 73 is replaced by alanine, an amino acid with similar properties. This amino acid position is conserved. In addition, this alteration is predicted to be tolerated by in silico analysis. Based on the available evidence, the clinical significance of this alteration remains unclear.